The following is an entry in ClinVar:

NM_001348323.3(TRIP12):c.4823A>G (p.Glu1608Gly)

Gene: TRIP12 (thyroid hormone receptor interactor 12; minus strand). Cytogenetic location: 2q36.3.
Variant type: single nucleotide variant.
Coding change: c.4823A>G on transcript NM_001348323.3 (MANE Select); coding-DNA position 4823, A replaced by G.
Protein change: p.Glu1608Gly; replaces glutamic acid 1608 with glycine.
Molecular consequence: missense variant.
Genome position (GRCh38, 1-based): chr2:229,788,813, T>C on the plus strand (A>G on the coding strand, the complement: TRIP12 is on the minus strand). VCF-style: chr2-229788813-T-C. GRCh37 (hg19) VCF-style: chr2-230653529-T-C.
Other names: c.4742A>G, p.Glu1581Gly (NM_001284214.2, NM_001348315.2); c.4697A>G, p.Glu1566Gly (NM_001284215.2, NM_001348316.2); c.3788A>G, p.Glu1263Gly (NM_001284216.2); c.4682A>G, p.Glu1561Gly (NM_001348317.1, NM_001348318.2); c.4808A>G, p.Glu1603Gly (NM_001348319.1, NM_001348320.2); c.4811A>G, p.Glu1604Gly (NM_001348321.1); c.4823A>G, p.Glu1608Gly (NM_001348322.1, NM_001348324.2, NM_001348325.2 and 2 more transcripts); c.4826A>G, p.Glu1609Gly (NM_001348328.1, NM_001348329.2, NM_001348330.2); and 4 more; short protein forms E1263G, E1533G, E1534G, E1561G, E1566G, E1574G, E1581G, E1582G.
Identifiers: ClinVar variation 4881858 (VCV004881858.2).

ClinVar aggregate classification (germline): Uncertain significance (1 of 4 stars; one submission).

Conditions:
Clark-Baraitser syndrome. Also called: MENTAL RETARDATION, AUTOSOMAL DOMINANT 49; BARAITSER SYNDROME; Mental retardation, tall stature, obesity, macrocephaly and typical facial features; Intellectual disability, autosomal dominant 49. Identifiers: Orphanet 600731, MedGen C2931130, MONDO:0030914, OMIM 617752.

Submission:

Dasa
Classification: Uncertain significance for Clark-Baraitser syndrome. Last evaluated: 2025-08-21. Review status: criteria provided, single submitter. Criteria: DASA Assertion Criteria. Collection method: clinical testing. Allele origin: germline.
Comment: NM_001348323.3(TRIP12):c.4823A>G (p.Glu1608Gly) is a missense variant that results in the substitution of glutamic acid with glycine. This variant is absent from population databases. The currently available literature and clinical evidence are not sufficient to establish a definitive association between this variant and the reported condition. Therefore, this variant is classified as a variant of uncertain significance.